The following is an entry in ClinVar:

ClinVar aggregate classification (germline): Uncertain significance (1 of 4 stars; one submission).

Conditions:
Hereditary cancer-predisposing syndrome. Also called: Neoplastic Syndromes, Hereditary; Tumor predisposition; Hereditary Cancer Syndrome; Hereditary neoplastic syndrome. Identifiers: Orphanet 140162, MedGen C0027672, MeSH D009386, MONDO:0015356.

Submission:

Ambry Genetics
Classification: Uncertain significance for Hereditary cancer-predisposing syndrome. Last evaluated: 2024-11-01. Review status: criteria provided, single submitter. Criteria: Ambry Variant Classification Scheme 2023. Collection method: clinical testing. Allele origin: germline.
Comment: The p.S935R variant (also known as c.2805T>A), located in coding exon 20 of the PDGFRA gene, results from a T to A substitution at nucleotide position 2805. The serine at codon 935 is replaced by arginine, an amino acid with dissimilar properties. This amino acid position is conserved. In addition, the in silico prediction for this alteration is inconclusive. Based on the available evidence, the clinical significance of this variant remains unclear.

NM_006206.6(PDGFRA):c.2805T>A (p.Ser935Arg)

Gene: PDGFRA (platelet derived growth factor receptor alpha; plus strand). Cytogenetic location: 4q12.
Variant type: single nucleotide variant.
Coding change: c.2805T>A on transcript NM_006206.6 (MANE Select); coding-DNA position 2805, T replaced by A.
Protein change: p.Ser935Arg; replaces serine 935 with arginine.
Molecular consequence: missense variant.
Genome position (GRCh38, 1-based): chr4:54,289,039, T>A. VCF-style: chr4-54289039-T-A. GRCh37 (hg19) VCF-style: chr4-55155206-T-A.
Other names: c.2880T>A, p.Ser960Arg (NM_001347828.2); c.2805T>A, p.Ser935Arg (NM_001347829.2); c.2844T>A, p.Ser948Arg (NM_001347830.2); short protein forms S935R, S948R, S960R.
Identifiers: ClinVar variation 3416439 (VCV003416439.1).
Genomic context (GRCh38, chr4:54,289,039, plus strand): 5'-TGTGCCCACTCTTGAGTTCTGTCCCCACAGCTACGAGATCATGGTGAAATGCTGGAACAG[T>A]GAGCCGGAGAAGAGACCCTCCTTTTACCACCTGAGTGAGATTGTGGAGAATCTGCTGCCT-3'
Protein context (NP_006197.1, residues 925-945): VYEIMVKCWN[Ser935Arg]EPEKRPSFYH